The following is an entry in ClinVar:

NM_000492.4(CFTR):c.4379C>T (p.Ser1460Phe)

Genes: CFTR (CF transmembrane conductance regulator; plus strand), LOC111674477 (CFTR intron 23 enhancer; plus strand). Cytogenetic location: 7q31.2.
Variant type: single nucleotide variant.
Coding change: c.4379C>T on transcript NM_000492.4 (MANE Select); coding-DNA position 4379, C replaced by T.
Protein change: p.Ser1460Phe; replaces serine 1460 with phenylalanine.
Molecular consequence: missense variant.
Genome position (GRCh38, 1-based): chr7:117,667,044, C>T. VCF-style: chr7-117667044-C-T. GRCh37 (hg19) VCF-style: chr7-117307098-C-T.
Other names: short protein forms S1460F.
Identifiers: ClinVar variation 4001853 (VCV004001853.2).

ClinVar aggregate classification (germline): Uncertain significance. Review status: criteria provided, multiple submitters, no conflicts (2 of 4 stars). 2 submissions from 2 submitters: Uncertain significance (2). Last evaluated 2025-04-28.

Conditions:
Cystic fibrosis (CF). Also called: MUCOVISCIDOSIS. Identifiers: Orphanet 586, MedGen C0010674, MONDO:0009061, OMIM 219700. Disease mechanism: loss of function.

Submissions (2):

Ambry Genetics
Classification: Uncertain significance for Cystic fibrosis. Last evaluated: 2025-04-28. Review status: criteria provided, single submitter. Criteria: Ambry Variant Classification Scheme 2023. Collection method: clinical testing. Allele origin: germline.
Comment: The p.S1460F variant (also known as c.4379C>T), located in coding exon 27 of the CFTR gene, results from a C to T substitution at nucleotide position 4379. The serine at codon 1460 is replaced by phenylalanine, an amino acid with highly dissimilar properties. This amino acid position is conserved. In addition, the in silico prediction for this alteration is inconclusive. Based on the available evidence, the clinical significance of this variant remains unclear.

Blueprint Genetics
Classification: Uncertain significance. Last evaluated: 2024-02-16. Review status: criteria provided, single submitter. Criteria: ACMG Guidelines, 2015. Collection method: clinical testing. Allele origin: germline.